The following is an entry in ClinVar:

ClinVar aggregate classification (germline): Likely pathogenic (1 of 4 stars; one submission).

Conditions:
Angelman syndrome (AS). Also called: HAPPY PUPPET SYNDROME. Identifiers: Orphanet 72, MedGen C0162635, MONDO:0007113, OMIM 105830. Disease mechanism: loss of function. Inheritance: AS is caused by disruption of maternally imprinted UBE3A located within the 15q11.2-q13 Angelman syndrome/Prader-Willi syndrome (AS/PWS) region., imprinting disorder.

Submission:

Institute for Genomic Statistics and Bioinformatics, University Hospital Bonn
Classification: Likely pathogenic for Angelman syndrome. Review status: criteria provided, single submitter. Criteria: ACMG Guidelines, 2015. Collection method: clinical testing. Allele origin: de novo. Inheritance: Autosomal dominant inheritance. Affected: yes. Observed: 1 heterozygote.
Comment: PS2, PM2

NM_130839.5(UBE3A):c.2033A>G (p.Gln678Arg)

Genes: SNHG14 (small nucleolar RNA host gene 14; plus strand), UBE3A (ubiquitin protein ligase E3A; minus strand). Cytogenetic location: 15q11.2.
Variant type: single nucleotide variant.
Coding change: c.2033A>G on transcript NM_130839.5 (MANE Select); coding-DNA position 2033, A replaced by G.
Protein change: p.Gln678Arg; replaces glutamine 678 with arginine.
Molecular consequence: missense variant. On other transcripts: non-coding transcript variant (1), intron variant (1).
Genome position (GRCh38, 1-based): chr15:25,355,983, T>C on the plus strand (A>G on the coding strand, the complement: UBE3A is on the minus strand). VCF-style: chr15-25355983-T-C. GRCh37 (hg19) VCF-style: chr15-25601130-T-C.
Other names: c.2042A>G, p.Gln681Arg (NM_000462.5); c.2033A>G, p.Gln678Arg (NM_001354505.1, NM_001354538.2, NM_001354545.2); c.1973A>G, p.Gln658Arg (NM_001354506.2, NM_001354507.2, NM_001354508.2 and 16 more transcripts); c.1856A>G, p.Gln619Arg (NM_001354546.2); c.782A>G, p.Gln261Arg (NM_001354550.2); c.722A>G, p.Gln241Arg (NM_001354551.2); c.1899+708A>G (NM_001354549.2); short protein forms Q241R, Q261R, Q619R, Q658R, Q678R, Q681R.
Identifiers: ClinVar variation 981483 (VCV000981483.2), dbSNP rs2077166492, ClinGen allele CA391352185.
Genomic context (GRCh38, chr15:25,355,983, plus strand): 5'-TCACCATTTTCCTTTAGATCATACATCATTGGGTTACCAAAAAGATCTGTCTGTGATATC[T>C]GGAAAGTGATCATCATGTCATCTTCCACATTCCCTTCATACTCCAATAAATCTTTTAAAC-3'
Protein context (NP_570854.1, residues 668-688): NVEDDMMITF[Gln678Arg]ISQTDLFGNP